The following is an entry in ClinVar:

NM_017534.6(MYH2):c.3354+6T>C

Genes: MYHAS (myosin heavy chain gene cluster antisense RNA; plus strand), MYH2 (myosin heavy chain 2; minus strand). Cytogenetic location: 17p13.1.
Variant type: single nucleotide variant.
Coding change: c.3354+6T>C on transcript NM_017534.6 (MANE Select); 6 bases into the intron after coding-DNA position 3354, T replaced by C.
Molecular consequence: intron variant.
Genome position (GRCh38, 1-based): chr17:10,529,156, A>G on the plus strand (T>C on the coding strand, the complement: MYH2 is on the minus strand). VCF-style: chr17-10529156-A-G. GRCh37 (hg19) VCF-style: chr17-10432473-A-G.
Other names: c.3354+6T>C (NM_001100112.2).
Identifiers: ClinVar variation 649284 (VCV000649284.6), dbSNP rs759993294, ClinGen allele CA8390931.

ClinVar aggregate classification (germline): Uncertain significance (1 of 4 stars; one submission).

Conditions:
Myopathy, proximal, and ophthalmoplegia (CMYO6). Also called: MYOPATHY WITH CONGENITAL JOINT CONTRACTURES, OPHTHALMOPLEGIA, AND RIMMED VACUOLES; INCLUSION BODY MYOPATHY 3, AUTOSOMAL DOMINANT; CONGENITAL MYOPATHY 6 WITH OPHTHALMOPLEGIA. Identifiers: Orphanet 363677, Orphanet 79091, MedGen C1854106, MONDO:0011577, OMIM 605637.

Allele frequency attached by ClinVar (database versions not stated): gnomAD exomes below 0.00001 and 0.00001; ExAC 0.00001.
gnomAD v4.1: 5 of 1,614,252 alleles (0.00031%); highest among the groups gnomAD compares: Non-Finnish European, 0.00042%; no homozygotes.

Submission:

Labcorp Genetics (formerly Invitae), Labcorp
Classification: Uncertain significance for Myopathy, proximal, and ophthalmoplegia. Last evaluated: 2018-12-21. Review status: criteria provided, single submitter. Criteria: Invitae Variant Classification Sherloc (09022015). Collection method: clinical testing. Allele origin: germline.
Comment: In summary, the available evidence is currently insufficient to determine the role of this variant in disease. Therefore, it has been classified as a Variant of Uncertain Significance. Nucleotide substitutions within the consensus splice site are a relatively common cause of aberrant splicing (PMID: 17576681, 9536098). Algorithms developed to predict the effect of sequence changes on RNA splicing suggest that this variant may disrupt the consensus splice site, but this prediction has not been confirmed by published transcriptional studies. This variant has not been reported in the literature in individuals with MYH2-related disease. This variant is present in population databases (rs759993294, ExAC 0.001%). This sequence change falls in intron 26 of the MYH2 gene. It does not directly change the encoded amino acid sequence of the MYH2 protein, but it affects a nucleotide within the consensus splice site of the intron.

Literature cited by the submitters: PubMed 17576681; PubMed 9536098.